The following is an entry in ClinVar:

NM_005120.3(MED12):c.5254C>T (p.Pro1752Ser)

Gene: MED12 (mediator complex subunit 12; plus strand). Cytogenetic location: Xq13.1.
Variant type: single nucleotide variant.
Coding change: c.5254C>T on transcript NM_005120.3 (MANE Select); coding-DNA position 5254, C replaced by T.
Protein change: p.Pro1752Ser; replaces proline 1752 with serine.
Molecular consequence: missense variant.
Genome position (GRCh38, 1-based): chrX:71,136,509, C>T. VCF-style: chrX-71136509-C-T. GRCh37 (hg19) VCF-style: chrX-70356359-C-T.
Other names: c.5254C>T (NM_005120.2); short protein forms P1752S.
Identifiers: ClinVar variation 3684406 (VCV003684406.3).

ClinVar aggregate classification (germline): Uncertain significance. Review status: criteria provided, multiple submitters, no conflicts (2 of 4 stars). 2 submissions from 2 submitters: Uncertain significance (2). Last evaluated 2025-09-28.

Conditions:
FG syndrome (FGS). Identifiers: MedGen C0220769, MONDO:0002010.
Familial thoracic aortic aneurysm and aortic dissection (TAAD). Also called: Thoracic aortic aneurysms and dissections. Identifiers: Orphanet 91387, MedGen C4707243, MONDO:0019625.

Submissions (2):

Ambry Genetics
Classification: Uncertain significance for Familial thoracic aortic aneurysm and aortic dissection. Last evaluated: 2025-09-28. Review status: criteria provided, single submitter. Criteria: Ambry Variant Classification Scheme 2023. Collection method: clinical testing. Allele origin: germline.
Comment: The p.P1752S variant (also known as c.5254C>T), located in coding exon 37 of the MED12 gene, results from a C to T substitution at nucleotide position 5254. The proline at codon 1752 is replaced by serine, an amino acid with similar properties. This amino acid position is conserved. In addition, this alteration is predicted to be tolerated by in silico analysis. Based on the available evidence, the clinical significance of this variant remains unclear.

Labcorp Genetics (formerly Invitae), Labcorp
Classification: Uncertain significance for FG syndrome. Last evaluated: 2025-01-05. Review status: criteria provided, single submitter. Criteria: Invitae Variant Classification Sherloc (09022015). Collection method: clinical testing. Allele origin: germline.
Comment: This sequence change replaces proline, which is neutral and non-polar, with serine, which is neutral and polar, at codon 1752 of the MED12 protein (p.Pro1752Ser). This variant is not present in population databases (gnomAD no frequency). This variant has not been reported in the literature in individuals affected with MED12-related conditions. Invitae Evidence Modeling of protein sequence and biophysical properties (such as structural, functional, and spatial information, amino acid conservation, physicochemical variation, residue mobility, and thermodynamic stability) indicates that this missense variant is not expected to disrupt MED12 protein function with a negative predictive value of 95%. In summary, the available evidence is currently insufficient to determine the role of this variant in disease. Therefore, it has been classified as a Variant of Uncertain Significance.